The following is an entry in ClinVar:

NM_001205019.2(GK):c.663-12_663-10del

Gene: GK (glycerol kinase; plus strand). Cytogenetic location: Xp21.2.
Variant type: Microsatellite.
Coding change: c.663-12_663-10del on transcript NM_001205019.2 (MANE Select); 12 bases into the intron before coding-DNA position 663 through 10 bases into the intron before coding-DNA position 663, 3 bases deleted (CTT; older notation c.663-12_663-10delCTT).
Molecular consequence: intron variant.
Genome position (GRCh38, 1-based): chrX:30,696,605-30,696,607, CTT deleted; deleting any 3 consecutive bases within chrX:30,696,601-30,696,607 gives the same sequence; the c. name uses the placement nearest the transcript's 3' end. VCF-style (leftmost placement, unchanged base first): chrX-30696600-ATCT-A. GRCh37 (hg19) VCF-style: chrX-30714717-ATCT-A.
Other names: c.747-12_747-10del (NM_001399987.1); c.663-12_663-10del (NM_203391.4, NM_001128127.3, NM_000167.6).
Identifiers: ClinVar variation 3047660 (VCV003047660.2), dbSNP rs760559014, ClinGen allele CA10376719.

ClinVar aggregate classification (germline): Likely benign (0 of 4 stars; one submission).

Conditions:
GK-related disorder. Also called: GK-related condition.

Submission:

PreventionGenetics, part of Exact Sciences
Classification: Likely benign for GK-related condition. Last evaluated: 2019-04-11. Review status: no assertion criteria provided. Collection method: clinical testing. Allele origin: germline.
Comment: This variant is classified as likely benign based on ACMG/AMP sequence variant interpretation guidelines (Richards et al. 2015 PMID: 25741868, with internal and published modifications).